The following is an entry in ClinVar:

ClinVar aggregate classification (germline): Uncertain significance (1 of 4 stars; one submission).

Conditions:
Hereditary cancer-predisposing syndrome. Also called: Neoplastic Syndromes, Hereditary; Tumor predisposition; Hereditary Cancer Syndrome; Hereditary neoplastic syndrome. Identifiers: Orphanet 140162, MedGen C0027672, MeSH D009386, MONDO:0015356.

Submission:

Ambry Genetics
Classification: Uncertain significance for Hereditary cancer-predisposing syndrome. Last evaluated: 2026-03-12. Review status: criteria provided, single submitter. Criteria: Ambry Variant Classification Scheme 2023. Collection method: clinical testing. Allele origin: germline.
Comment: The p.K503N variant (also known as c.1509A>C), located in coding exon 5 of the AXIN2 gene, results from an A to C substitution at nucleotide position 1509. The lysine at codon 503 is replaced by asparagine, an amino acid with similar properties. This amino acid position is conserved. In addition, this alteration is predicted to be tolerated by in silico analysis. Based on the available evidence, the clinical significance of this variant remains unclear.

NM_004655.4(AXIN2):c.1509A>C (p.Lys503Asn)

Gene: AXIN2 (axin 2; minus strand). Cytogenetic location: 17q24.1.
Variant type: single nucleotide variant.
Coding change: c.1509A>C on transcript NM_004655.4 (MANE Select); coding-DNA position 1509, A replaced by C.
Protein change: p.Lys503Asn; replaces lysine 503 with asparagine.
Molecular consequence: missense variant.
Genome position (GRCh38, 1-based): chr17:65,537,527, T>G on the plus strand (A>C on the coding strand, the complement: AXIN2 is on the minus strand). VCF-style: chr17-65537527-T-G. GRCh37 (hg19) VCF-style: chr17-63533645-T-G.
Other names: c.1509A>C, p.Lys503Asn (NM_001363813.1); short protein forms K503N.
Identifiers: ClinVar variation 4826950 (VCV004826950.1).